The following is an entry in ClinVar:

NM_001387777.1(TNS1):c.3392A>T (p.Glu1131Val)

Gene: TNS1 (tensin 1; minus strand). Cytogenetic location: 2q35.
Variant type: single nucleotide variant.
Coding change: c.3392A>T on transcript NM_001387777.1 (MANE Select); coding-DNA position 3392, A replaced by T.
Protein change: p.Glu1131Val; replaces glutamic acid 1131 with valine.
Molecular consequence: missense variant.
Genome position (GRCh38, 1-based): chr2:217,821,920, T>A on the plus strand (A>T on the coding strand, the complement: TNS1 is on the minus strand). VCF-style: chr2-217821920-T-A. GRCh37 (hg19) VCF-style: chr2-218686643-T-A.
Other names: c.3041A>T, p.Glu1014Val (NM_001308022.2); c.3017A>T, p.Glu1006Val (NM_001308023.2); c.3080A>T, p.Glu1027Val (NM_022648.7); short protein forms E1006V, E1014V, E1027V, E1131V.
Identifiers: ClinVar variation 3050196 (VCV003050196.2), dbSNP rs112371945, ClinGen allele CA2099878.
Genomic context (GRCh38, chr2:217,821,920, plus strand): 5'-AAGCTCTTGGGCTCAGAGTCCTGAGCTCGGGGTCCAGCCACCGCTGTCCGTGCCACAGAC[T>A]CCACATAGCTCCGGGGCTCTGGAAGGGGCAAGAGGACAGAGACACTGAGCACAGATGCAC-3'
Protein context (NP_001374706.1, residues 1121-1141): HPTGEPRSYV[Glu1131Val]SVARTAVAGP

ClinVar aggregate classification (germline): Benign (0 of 4 stars; one submission).

Conditions:
TNS1-related disorder. Also called: TNS1-related condition.

Allele frequency attached by ClinVar (database versions not stated): 1000 Genomes Project 30x 0.00047; 1000 Genomes Project 0.00060; TOPMed 0.00074; ESP Exome Variant Server 0.00092; gnomAD exomes 0.00138; gnomAD 0.00192; ExAC 0.00276.
gnomAD v4.1: 2,239 of 1,586,560 alleles (0.14%); highest among the groups gnomAD compares: Non-Finnish European, 0.12%; 9 homozygotes.

Submission:

PreventionGenetics, part of Exact Sciences
Classification: Benign for TNS1-related condition. Last evaluated: 2019-07-21. Review status: no assertion criteria provided. Collection method: clinical testing. Allele origin: germline.
Comment: This variant is classified as benign based on ACMG/AMP sequence variant interpretation guidelines (Richards et al. 2015 PMID: 25741868, with internal and published modifications).